The following is an entry in ClinVar:

ClinVar aggregate classification (germline): Uncertain significance (1 of 4 stars; one submission).

Conditions:
SIM1-related disorder. Also called: SIM1-related disorders; SIM1-related condition.

Submission:

PreventionGenetics, part of Exact Sciences
Classification: Uncertain significance for SIM1-related condition. Last evaluated: 2024-12-31. Review status: criteria provided, single submitter. Criteria: ACMG Guidelines, 2015. Collection method: clinical testing. Allele origin: germline.
Comment: The SIM1 c.2063_2065delCAG variant is predicted to result in an in-frame deletion (p.Ala688del). To our knowledge, this variant has not been reported in the literature or in a large population database (gnomAD), indicating this variant is rare. At this time, the clinical significance of this variant is uncertain due to the absence of conclusive functional and genetic evidence.

NM_005068.3(SIM1):c.2060CAG[1] (p.Ala688del)

Gene: SIM1 (SIM bHLH transcription factor 1; minus strand). Cytogenetic location: 6q16.3.
Variant type: Microsatellite.
Coding change: c.2060CAG[1] on transcript NM_005068.3 (MANE Select); one copy of the 3-base unit CAG starting at c.2060; the reference has two copies in a row; one copy, 3 bases deleted.
Protein change: p.Ala688del; deletes alanine 688.
Molecular consequence: inframe deletion.
Genome position (GRCh38, 1-based): chr6:100,390,597-100,390,599, CTG deleted on the plus strand (CAG on the coding strand, the reverse complement: SIM1 is on the minus strand); deleting any 3 consecutive bases within chr6:100,390,597-100,390,602 gives the same sequence; the position shown is the placement nearest the transcript's 3' end. VCF-style (leftmost placement, unchanged base first): chr6-100390596-CCTG-C. GRCh37 (hg19) VCF-style: chr6-100838472-CCTG-C.
Other names: c.2060CAG[1], p.Ala688del (NM_001374769.1); short protein forms A688del.
Identifiers: ClinVar variation 5002510 (VCV005002510.1).